The following is an entry in ClinVar:

ClinVar aggregate classification (germline): Uncertain significance. Review status: criteria provided, multiple submitters, no conflicts (2 of 4 stars). 2 submissions from 2 submitters: Uncertain significance (2). Last evaluated 2025-08-23.

Conditions:
Pheochromocytoma. Also called: MAX-Related Hereditary Paraganglioma-Pheochromocytoma Syndrome. Identifiers: Orphanet 29072, MedGen C0031511, MONDO:0008233, OMIM 171300, HP:0002666.
Gastrointestinal stromal tumor. Also called: Gastrointestinal stromal tumor, somatic; Gastrointestinal stroma tumor. Identifiers: Orphanet 44890, MedGen C0238198, MeSH D046152, MONDO:0011719, OMIM 606764, HP:0100723.
Pheochromocytoma/paraganglioma syndrome 4. Also called: CAROTID BODY TUMORS AND MULTIPLE EXTRAADRENAL PHEOCHROMOCYTOMAS; PARAGANGLIOMA, FAMILIAL MALIGNANT; PARAGANGLIOMAS, HEREDITARY EXTRAADRENAL; PHEOCHROMOCYTOMA, FAMILIAL EXTRAADRENAL; Paragangliomas 4; SDHB-Related Hereditary Paraganglioma-Pheochromocytoma Syndrome (Paragangliomas 4). Identifiers: Orphanet 29072, MedGen C1861848, MONDO:0007273, OMIM 115310.
Hereditary cancer-predisposing syndrome. Also called: Neoplastic Syndromes, Hereditary; Hereditary neoplastic syndrome; Tumor predisposition; Hereditary Cancer Syndrome. Identifiers: Orphanet 140162, MedGen C0027672, MeSH D009386, MONDO:0015356.

Submissions (2):

Ambry Genetics
Classification: Uncertain significance for Hereditary cancer-predisposing syndrome. Last evaluated: 2025-08-23. Review status: criteria provided, single submitter. Criteria: Ambry Variant Classification Scheme 2023. Collection method: clinical testing. Allele origin: germline.
Comment: The p.K160E variant (also known as c.478A>G), located in coding exon 5 of the SDHB gene, results from an A to G substitution at nucleotide position 478. The lysine at codon 160 is replaced by glutamic acid, an amino acid with similar properties. This amino acid position is conserved. In addition, this alteration is predicted to be deleterious by in silico analysis. Based on the available evidence, the clinical significance of this variant remains unclear.

Labcorp Genetics (formerly Invitae), Labcorp
Classification: Uncertain significance for Gastrointestinal stromal tumor; Pheochromocytoma/paraganglioma syndrome 4; Pheochromocytoma. Last evaluated: 2023-04-27. Review status: criteria provided, single submitter. Criteria: Invitae Variant Classification Sherloc (09022015). Collection method: clinical testing. Allele origin: germline.
Comment: In summary, the available evidence is currently insufficient to determine the role of this variant in disease. Therefore, it has been classified as a Variant of Uncertain Significance. Advanced modeling of protein sequence and biophysical properties (such as structural, functional, and spatial information, amino acid conservation, physicochemical variation, residue mobility, and thermodynamic stability) performed at Invitae indicates that this missense variant is not expected to disrupt SDHB protein function. This variant has not been reported in the literature in individuals affected with SDHB-related conditions. This variant is not present in population databases (gnomAD no frequency). This sequence change replaces lysine, which is basic and polar, with glutamic acid, which is acidic and polar, at codon 160 of the SDHB protein (p.Lys160Glu).

NM_003000.3(SDHB):c.478A>G (p.Lys160Glu)

Gene: SDHB (succinate dehydrogenase complex iron sulfur subunit B; minus strand). Cytogenetic location: 1p36.13.
Variant type: single nucleotide variant.
Coding change: c.478A>G on transcript NM_003000.3 (MANE Select); coding-DNA position 478, A replaced by G.
Protein change: p.Lys160Glu; replaces lysine 160 with glutamic acid.
Molecular consequence: missense variant.
Genome position (GRCh38, 1-based): chr1:17,027,811, T>C on the plus strand (A>G on the coding strand, the complement: SDHB is on the minus strand). VCF-style: chr1-17027811-T-C. GRCh37 (hg19) VCF-style: chr1-17354306-T-C.
Other names: c.424A>G, p.Lys142Glu (NM_001407361.1); short protein forms K160E, K142E.
Identifiers: ClinVar variation 2947194 (VCV002947194.4), dbSNP rs2525017775, ClinGen allele CA338272846.
Genomic context (GRCh38, chr1:17,027,811, plus strand): 5'-GTTTCTCACGCTCTTCTATGGACTGCAGATACTGCTGCTTGCCTTCCTGAGATTCATCCT[T>C]CTTCTTCAAATAAGGCTCAATGGATTTGTACTGTGCATAGAAGTTGCTCAAATCCTGTGG-3'
Protein context (NP_002991.2, residues 150-170): YKSIEPYLKK[Lys160Glu]DESQEGKQQY